The following is an entry in ClinVar:

ClinVar aggregate classification (germline): Uncertain significance (1 of 4 stars; one submission).

Submission:

Labcorp Genetics (formerly Invitae), Labcorp
Classification: Uncertain significance. Last evaluated: 2023-10-30. Review status: criteria provided, single submitter. Criteria: Invitae Variant Classification Sherloc (09022015). Collection method: clinical testing. Allele origin: unknown.
Comment: This variant results in a copy number gain of the genomic region encompassing exon(s) 27-32 of the COL9A3 gene. This region includes the termination codon of the gene. This copy number gain extends beyond the assayed region for this gene and therefore may encompass additional genes. As the precise location of this event is unknown, it may be in tandem or it may be located elsewhere in the genome. This variant has not been reported in the literature in individuals affected with COL9A3-related conditions. In summary, the available evidence is currently insufficient to determine the role of this variant in disease. Therefore, it has been classified as a Variant of Uncertain Significance.

NC_000020.10:g.(?_61467253)_(61472084_?)dup

Gene: COL9A3 (collagen type IX alpha 3 chain; plus strand). Cytogenetic location: 20q13.33.
Variant type: Duplication.
Identifiers: ClinVar variation 3248334 (VCV003248334.1).